The following is an entry in ClinVar:

NM_005094.4(SLC27A4):c.698C>T (p.Pro233Leu)

Gene: SLC27A4 (solute carrier family 27 member 4; plus strand). Cytogenetic location: 9q34.11.
Variant type: single nucleotide variant.
Coding change: c.698C>T on transcript NM_005094.4 (MANE Select); coding-DNA position 698, C replaced by T.
Protein change: p.Pro233Leu; replaces proline 233 with leucine.
Molecular consequence: missense variant.
Genome position (GRCh38, 1-based): chr9:128,348,686, C>T. VCF-style: chr9-128348686-C-T. GRCh37 (hg19) VCF-style: chr9-131110965-C-T.
Other names: short protein forms P233L.
Identifiers: ClinVar variation 1196366 (VCV001196366.5), dbSNP rs192211964, ClinGen allele CA5261003.

ClinVar aggregate classification (germline): Uncertain significance. Review status: criteria provided, multiple submitters, no conflicts (2 of 4 stars). 3 submissions from 3 submitters: Uncertain significance (3). Last evaluated 2024-10-20.

Conditions:
Inborn genetic diseases. Identifiers: MedGen C0950123, MeSH D030342.

Allele frequency attached by ClinVar (database versions not stated): ExAC 0.00020; ESP Exome Variant Server 0.00023; gnomAD exomes 0.00027 and 0.00052; gnomAD 0.00054 and 0.00056; 1000 Genomes Project 30x 0.00078; 1000 Genomes Project 0.00080; TOPMed 0.00083.
gnomAD v4.1: 844 of 1,614,040 alleles (0.052%); highest among the groups gnomAD compares: Admixed American, 0.077%; 1 homozygote.

Submissions (3):

Ambry Genetics
Classification: Uncertain significance for Inborn genetic diseases. Last evaluated: 2024-10-20. Review status: criteria provided, single submitter. Criteria: Ambry Variant Classification Scheme 2023. Collection method: clinical testing. Allele origin: germline.

Labcorp Genetics (formerly Invitae), Labcorp
Classification: Uncertain significance. Last evaluated: 2022-05-16. Review status: criteria provided, single submitter. Criteria: Invitae Variant Classification Sherloc (09022015). Collection method: clinical testing. Allele origin: germline.
Comment: This sequence change replaces proline, which is neutral and non-polar, with leucine, which is neutral and non-polar, at codon 233 of the SLC27A4 protein (p.Pro233Leu). This variant is present in population databases (rs192211964, gnomAD 0.2%). This variant has not been reported in the literature in individuals affected with SLC27A4-related conditions. ClinVar contains an entry for this variant (Variation ID: 1196366). Algorithms developed to predict the effect of missense changes on protein structure and function are either unavailable or do not agree on the potential impact of this missense change (SIFT: "Tolerated"; PolyPhen-2: "Probably Damaging"; Align-GVGD: "Class C0"). In summary, the available evidence is currently insufficient to determine the role of this variant in disease. Therefore, it has been classified as a Variant of Uncertain Significance.

GeneDx
Classification: Uncertain significance. Last evaluated: 2018-01-04. Review status: criteria provided, single submitter. Criteria: GeneDx Variant Classification Process June 2021. Collection method: clinical testing. Allele origin: germline. Affected: yes.
Comment: In silico analyses, including protein predictors and evolutionary conservation, support a deleterious effect; Has not been previously published as pathogenic or benign to our knowledge